The following is an entry in ClinVar:

NM_024757.5(EHMT1):c.1693C>T (p.Pro565Ser)

Gene: EHMT1 (euchromatic histone lysine methyltransferase 1; plus strand). Cytogenetic location: 9q34.3.
Variant type: single nucleotide variant.
Coding change: c.1693C>T on transcript NM_024757.5 (MANE Select); coding-DNA position 1693, C replaced by T.
Protein change: p.Pro565Ser; replaces proline 565 with serine.
Molecular consequence: missense variant.
Genome position (GRCh38, 1-based): chr9:137,775,154, C>T. VCF-style: chr9-137775154-C-T. GRCh37 (hg19) VCF-style: chr9-140669606-C-T.
Other names: c.1693C>T, p.Pro565Ser (NM_001145527.2); c.1600C>T, p.Pro534Ser (NM_001354259.2); c.1672C>T, p.Pro558Ser (NM_001354263.2); short protein forms P565S, P558S, P534S.
Identifiers: ClinVar variation 3507434 (VCV003507434.2).
Genomic context (GRCh38, chr9:137,775,154, plus strand): 5'-CTTGTCTGATTGCAGTTGGGCCGGTGCACAAACAGCGTGGTCAAGTATGAGCTGATGCGC[C>T]CCTCCAACAAGGCCCCGCTCCTCGTGCTGTGTGAAGACCACCGGGGCCGCATGGTGAAGC-3'
Protein context (NP_079033.4, residues 555-575): NSVVKYELMR[Pro565Ser]SNKAPLLVLC

ClinVar aggregate classification (germline): Uncertain significance. Review status: criteria provided, multiple submitters, no conflicts (2 of 4 stars). 2 submissions from 2 submitters: Uncertain significance (2). Last evaluated 2025-07-09.

Conditions:
Inborn genetic diseases. Identifiers: MedGen C0950123, MeSH D030342.
Kleefstra syndrome 1 (KLEFS1). Identifiers: Orphanet 261494, MedGen C0795833, MONDO:0027407, OMIM 610253.

gnomAD v4.1: 1 of 1,613,950 alleles (0.000062%); highest among the groups gnomAD compares: Admixed American, 0.0017%; no homozygotes.

Submissions (2):

Labcorp Genetics (formerly Invitae), Labcorp
Classification: Uncertain significance for Kleefstra syndrome 1. Last evaluated: 2025-07-09. Review status: criteria provided, single submitter. Criteria: Invitae Variant Classification Sherloc (09022015). Collection method: clinical testing. Allele origin: germline.
Comment: This sequence change replaces proline, which is neutral and non-polar, with serine, which is neutral and polar, at codon 565 of the EHMT1 protein (p.Pro565Ser). This variant is not present in population databases (gnomAD no frequency). This variant has not been reported in the literature in individuals affected with EHMT1-related conditions. ClinVar contains an entry for this variant (Variation ID: 3507434). Invitae Evidence Modeling of protein sequence and biophysical properties (such as structural, functional, and spatial information, amino acid conservation, physicochemical variation, residue mobility, and thermodynamic stability) has been performed for this missense variant. However, the output from this modeling did not meet the statistical confidence thresholds required to predict the impact of this variant on EHMT1 protein function. In summary, the available evidence is currently insufficient to determine the role of this variant in disease. Therefore, it has been classified as a Variant of Uncertain Significance.

Ambry Genetics
Classification: Uncertain significance for Inborn genetic diseases. Last evaluated: 2024-12-05. Review status: criteria provided, single submitter. Criteria: Ambry Variant Classification Scheme 2023. Collection method: clinical testing. Allele origin: germline.